The following is an entry in ClinVar:

ClinVar aggregate classification (germline): Uncertain significance (1 of 4 stars; one submission).

Conditions:
Bardet-Biedl syndrome (BBS). Identifiers: Orphanet 110, MedGen C0752166, MONDO:0015229.

Submission:

Labcorp Genetics (formerly Invitae), Labcorp
Classification: Uncertain significance for Bardet-Biedl syndrome. Last evaluated: 2022-07-19. Review status: criteria provided, single submitter. Criteria: Invitae Variant Classification Sherloc (09022015). Collection method: clinical testing. Allele origin: germline.
Comment: In summary, the available evidence is currently insufficient to determine the role of this variant in disease. Therefore, it has been classified as a Variant of Uncertain Significance. Algorithms developed to predict the effect of missense changes on protein structure and function are either unavailable or do not agree on the potential impact of this missense change (SIFT: "Deleterious"; PolyPhen-2: "Benign"; Align-GVGD: "Class C0"). ClinVar contains an entry for this variant (Variation ID: 1388872). This variant has not been reported in the literature in individuals affected with BBS12-related conditions. This variant is not present in population databases (gnomAD no frequency). This sequence change replaces leucine, which is neutral and non-polar, with glutamine, which is neutral and polar, at codon 558 of the BBS12 protein (p.Leu558Gln).

NM_152618.3(BBS12):c.1673T>A (p.Leu558Gln)

Gene: BBS12 (Bardet-Biedl syndrome 12; plus strand). Cytogenetic location: 4q27.
Variant type: single nucleotide variant.
Coding change: c.1673T>A on transcript NM_152618.3 (MANE Select); coding-DNA position 1673, T replaced by A.
Protein change: p.Leu558Gln; replaces leucine 558 with glutamine.
Molecular consequence: missense variant.
Genome position (GRCh38, 1-based): chr4:122,743,565, T>A. VCF-style: chr4-122743565-T-A. GRCh37 (hg19) VCF-style: chr4-123664720-T-A.
Other names: c.1673T>A, p.Leu558Gln (NM_001178007.2); short protein forms L558Q.
Identifiers: ClinVar variation 1388872 (VCV001388872.6), dbSNP rs2150737612, ClinGen allele CA358225633.